The following is an entry in ClinVar:

NM_001793.6(CDH3):c.1525G>A (p.Val509Met)

Gene: CDH3 (cadherin 3; plus strand). Cytogenetic location: 16q22.1.
Variant type: single nucleotide variant.
Coding change: c.1525G>A on transcript NM_001793.6 (MANE Select); coding-DNA position 1525, G replaced by A.
Protein change: p.Val509Met; replaces valine 509 with methionine.
Molecular consequence: missense variant.
Genome position (GRCh38, 1-based): chr16:68,685,305, G>A. VCF-style: chr16-68685305-G-A. GRCh37 (hg19) VCF-style: chr16-68719208-G-A.
Other names: c.1525G>A, p.Val509Met (NM_001317195.3); c.1360G>A, p.Val454Met (NM_001317196.2); short protein forms V454M, V509M.
Identifiers: ClinVar variation 4681652 (VCV004681652.6).

ClinVar aggregate classification (germline): Uncertain significance. Review status: criteria provided, multiple submitters, no conflicts (2 of 4 stars). 2 submissions from 2 submitters: Uncertain significance (2). Last evaluated 2025-12-01.

Submissions (2):

CeGaT Center for Human Genetics Tuebingen
Classification: Uncertain significance. Last evaluated: 2025-12-01. Review status: criteria provided, single submitter. Criteria: CeGaT Center For Human Genetics Tuebingen Variant Classification Criteria Version 2. Collection method: clinical testing. Allele origin: germline. Affected: yes. Observed: 1 variant allele.
Comment: CDH3: PM2

Blueprint Genetics
Classification: Uncertain significance. Last evaluated: 2018-11-20. Review status: criteria provided, single submitter. Criteria: ACMG Guidelines, 2015. Collection method: clinical testing. Allele origin: germline.